The following is an entry in ClinVar:

NM_001029896.2(WDR45):c.436G>A (p.Gly146Arg)

Gene: WDR45 (WD repeat domain 45; minus strand). Cytogenetic location: Xp11.23.
Variant type: single nucleotide variant.
Coding change: c.436G>A on transcript NM_001029896.2 (MANE Select); coding-DNA position 436, G replaced by A.
Protein change: p.Gly146Arg; replaces glycine 146 with arginine.
Molecular consequence: missense variant.
Genome position (GRCh38, 1-based): chrX:49,076,430, C>T on the plus strand (G>A on the coding strand, the complement: WDR45 is on the minus strand). VCF-style: chrX-49076430-C-T. GRCh37 (hg19) VCF-style: chrX-48934089-C-T.
Other names: NC_000023.10:g.48934089C>T; c.439G>A, p.Gly147Arg (NM_007075.4); short protein forms G147R, G146R.
Identifiers: ClinVar variation 586936 (VCV000586936.3), dbSNP rs1569523500, ClinGen allele CA412945869.

ClinVar aggregate classification (germline): Conflicting classifications of pathogenicity. Review status: criteria provided, conflicting classifications (1 of 4 stars). 2 submissions from 2 submitters: Likely pathogenic (1); Uncertain significance (1). Last evaluated 2024-03-01.

Submissions (3):

GeneDx
Classification: Uncertain significance. Last evaluated: 2024-03-01. Review status: criteria provided, single submitter. Criteria: GeneDx Variant Classification Process June 2021. Collection method: clinical testing. Allele origin: germline. Affected: yes.
Comment: Not observed at significant frequency in large population cohorts (gnomAD); In silico analysis supports that this missense variant has a deleterious effect on protein structure/function; Has not been previously published as pathogenic or benign to our knowledge; In silico analysis is inconclusive as to whether the variant alters gene splicing. In the absence of RNA/functional studies, the actual effect of this sequence change is unknown.; This variant is associated with the following publications: (PMID: 27171548)

Athena Diagnostics
Classification: Likely pathogenic. Last evaluated: 2019-03-07. Review status: criteria provided, single submitter. Criteria: Athena Diagnostics Criteria. Collection method: clinical testing. Allele origin: unknown.
Comment: This variant has not been reported in large, multi-ethnic general populations. Computational tools predict that this variant is damaging.

Dr. Peter K. Rogan Lab, Western University
No classification provided (evidence only). Condition: Thyroid cancer, nonmedullary, 1. Review status: no classification provided. Collection method: in vitro. Allele origin: not applicable. Functional consequence: retained intron. Not counted in ClinVar's aggregate classification.

Literature cited by the submitters: PubMed 27171548 (cited by Athena Diagnostics).